The following is an entry in ClinVar:

ClinVar aggregate classification (germline): Uncertain significance (1 of 4 stars; one submission).

Submission:

Ambry Genetics
Classification: Uncertain significance. Last evaluated: 2025-03-02. Review status: criteria provided, single submitter. Criteria: Ambry Variant Classification Scheme 2023. Collection method: clinical testing. Allele origin: germline.
Comment: The p.S400F variant (also known as c.1199C>T), located in coding exon 1 of the MLH3 gene, results from a C to T substitution at nucleotide position 1199. The serine at codon 400 is replaced by phenylalanine, an amino acid with highly dissimilar properties. This amino acid position is conserved. In addition, the in silico prediction for this alteration is inconclusive. Based on the available evidence, the clinical significance of this variant remains unclear.

NM_001040108.2(MLH3):c.1199C>T (p.Ser400Phe)

Gene: MLH3 (mutL homolog 3; minus strand). Cytogenetic location: 14q24.3.
Variant type: single nucleotide variant.
Coding change: c.1199C>T on transcript NM_001040108.2 (MANE Select); coding-DNA position 1199, C replaced by T.
Protein change: p.Ser400Phe; replaces serine 400 with phenylalanine.
Molecular consequence: missense variant.
Genome position (GRCh38, 1-based): chr14:75,048,457, G>A on the plus strand (C>T on the coding strand, the complement: MLH3 is on the minus strand). VCF-style: chr14-75048457-G-A. GRCh37 (hg19) VCF-style: chr14-75515160-G-A.
Other names: c.1199C>T, p.Ser400Phe (NM_014381.3); short protein forms S400F.
Identifiers: ClinVar variation 3873537 (VCV003873537.1).
Genomic context (GRCh38, chr14:75,048,457, plus strand): 5'-ACGTTTTCTGCAGTAGTTTTTCTTTTCACAGCTTTTGACTGCAAATTAAACATCTCATAG[G>A]AATCTAAAATATTATTACATGCTTCCTGGAAATTGCTCCTCTCATCGGAAGTCACACGCT-3'
Protein context (NP_001035197.1, residues 390-410): FQEACNNILD[Ser400Phe]YEMFNLQSKA